The following is an entry in ClinVar:

ClinVar aggregate classification (germline): Likely pathogenic (1 of 4 stars; one submission).

Conditions:
FYCO1-related disorder. Also called: FYCO1-related condition.

Submission:

PreventionGenetics, part of Exact Sciences
Classification: Likely pathogenic for FYCO1-related condition. Last evaluated: 2026-04-29. Review status: criteria provided, single submitter. Criteria: ACMG Guidelines, 2015. Collection method: clinical testing. Allele origin: germline.
Comment: The FYCO1 c.1443_1455del13 variant is predicted to result in a frameshift and premature protein termination (p.Ser481Argfs*3). To our knowledge, this variant has not been reported in the literature. This variant is absent in a large population database (gnomAD), indicating this variant is rare. Frameshift variants in FYCO1 are an established mechanism of disease. This variant is interpreted as likely pathogenic.

NM_024513.4(FYCO1):c.1443_1455del (p.Ser481fs)

Gene: FYCO1 (FYVE and coiled-coil domain autophagy adaptor 1; minus strand). Cytogenetic location: 3p21.31.
Variant type: Deletion.
Coding change: c.1443_1455del on transcript NM_024513.4 (MANE Select); coding-DNA positions 1443 to 1455, 13 bases deleted (CTCCTGGGAGGAG).
Protein change: p.Ser481fs; shifts the reading frame from serine 481.
Molecular consequence: frameshift variant. On other transcripts: non-coding transcript variant (1).
Genome position (GRCh38, 1-based): chr3:45,967,879-45,967,891, CTCCTCCCAGGAG deleted on the plus strand (CTCCTGGGAGGAG on the coding strand, the reverse complement: FYCO1 is on the minus strand); deleting any 13 consecutive bases within chr3:45,967,879-45,967,894 gives the same sequence; the c. name uses the placement nearest the transcript's 3' end. VCF-style (leftmost placement, unchanged base first): chr3-45967878-CCTCCTCCCAGGAG-C. GRCh37 (hg19) VCF-style: chr3-46009370-CCTCCTCCCAGGAG-C.
Other names: c.1443_1455del, p.Ser481fs (NM_001386421.1, NM_001386422.1, NM_001386423.1 and 4 more transcripts); c.1323_1335del, p.Ser441fs (NM_001386426.1); c.1299_1311del, p.Ser433fs (NM_001386427.1); c.843_855del, p.Ser281fs (NM_001386430.1); short protein forms S433fs, S441fs, S481fs, S281fs.
Identifiers: ClinVar variation 4982534 (VCV004982534.1).